The following is an entry in ClinVar:

ClinVar aggregate classification (germline): Pathogenic (1 of 4 stars; one submission).

Conditions:
Hypophosphatasia. Also called: Phosphoethanol-aminuria. Identifiers: Orphanet 436, MedGen C0020630, MeSH D007014, MONDO:0018570.

gnomAD v4.1: 1 of 1,614,166 alleles (0.000062%); highest among the groups gnomAD compares: Non-Finnish European, 0.000085%; no homozygotes.

Submission:

Genomenon, Inc
Classification: Pathogenic for Hypophosphatasia. Last evaluated: 2025-08-29. Review status: criteria provided, single submitter. Criteria: Genomenon Sequence Variant Interpretation Standards. Collection method: curation. Allele origin: germline. Affected: yes.
Comment: ALPL c.998-1G>A is a canonical splice variant located in the acceptor splice region of intron 9. This variant has been observed in at least one proband affected with hypophosphatasia (PMID:36361766). It is absent or not present at a significant frequency in gnomAD. In conclusion, we classify ALPL c.998-1G>A as a pathogenic variant.

Literature cited by the submitters: PubMed 36361766.

NM_000478.6(ALPL):c.998-1G>A

Gene: ALPL (alkaline phosphatase, biomineralization associated; plus strand). Cytogenetic location: 1p36.12.
Variant type: single nucleotide variant.
Coding change: c.998-1G>A on transcript NM_000478.6 (MANE Select); the canonical splice acceptor site of the intron before coding-DNA position 998, G replaced by A.
Molecular consequence: splice acceptor variant.
Genome position (GRCh38, 1-based): chr1:21,575,732, G>A. VCF-style: chr1-21575732-G-A. GRCh37 (hg19) VCF-style: chr1-21902225-G-A.
Other names: c.998-1G>A (NM_001369805.2, NM_001369804.2, NM_001369803.2); c.833-1G>A (NM_001127501.4); c.767-1G>A (NM_001177520.3).
Identifiers: ClinVar variation 4086851 (VCV004086851.1).